The following is an entry in ClinVar:

NM_004526.4(MCM2):c.1075G>A (p.Gly359Ser)

Gene: MCM2 (minichromosome maintenance complex component 2; plus strand). Cytogenetic location: 3q21.3.
Variant type: single nucleotide variant.
Coding change: c.1075G>A on transcript NM_004526.4 (MANE Select); coding-DNA position 1075, G replaced by A.
Protein change: p.Gly359Ser; replaces glycine 359 with serine.
Molecular consequence: missense variant. On other transcripts: non-coding transcript variant (1).
Genome position (GRCh38, 1-based): chr3:127,606,791, G>A. VCF-style: chr3-127606791-G-A. GRCh37 (hg19) VCF-style: chr3-127325634-G-A.
Other names: c.1075G>A (NM_004526.2); short protein forms G359S.
Identifiers: ClinVar variation 1897205 (VCV001897205.7), dbSNP rs201802595, ClinGen allele CA2595777.
Genomic context (GRCh38, chr3:127,606,791, plus strand): 5'-TTCTGCCAGTCCCAGAACCAGGAGGTGAAACCAGGCTCCTGTCCTGAGTGCCAGTCGGCC[G>A]GCCCCTTTGAGGTCAACATGGAGGAGGTGAGAGAGGACACAAGGTCTGCTGCCAGCTGTC-3'
Protein context (NP_004517.2, residues 349-369): PGSCPECQSA[Gly359Ser]PFEVNMEETI

ClinVar aggregate classification (germline): Uncertain significance. Review status: criteria provided, multiple submitters, no conflicts (2 of 4 stars). 3 submissions from 3 submitters: Uncertain significance (3). Last evaluated 2025-03-26.

Allele frequency attached by ClinVar (database versions not stated): gnomAD exomes 0.00002; TOPMed 0.00008; 1000 Genomes Project 30x 0.00016.
gnomAD v4.1: 41 of 1,614,216 alleles (0.0025%); highest among the groups gnomAD compares: Admixed American, 0.038%; no homozygotes.

Submissions (3):

Ambry Genetics
Classification: Uncertain significance. Last evaluated: 2025-03-26. Review status: criteria provided, single submitter. Criteria: Ambry Variant Classification Scheme 2023. Collection method: clinical testing. Allele origin: germline.

Women's Health and Genetics/Laboratory Corporation of America, LabCorp
Classification: Uncertain significance. Last evaluated: 2024-12-02. Review status: criteria provided, single submitter. Criteria: LabCorp Variant Classification Summary - May 2015. Collection method: clinical testing. Allele origin: germline.
Comment: Variant summary: MCM2 c.1075G>A (p.Gly359Ser) results in a non-conservative amino acid change located in the minichromosome maintenance protein domain (IPR031327) of the encoded protein sequence. Four of five in-silico tools predict a damaging effect of the variant on protein function. The variant allele was found at a frequency of 4.4e-05 in 251430 control chromosomes. This frequency is not significantly higher than estimated for a pathogenic variant in MCM2 causing Autosomal Dominant Nonsyndromic Hearing Loss 70, allowing no conclusion about variant significance. To our knowledge, no occurrence of c.1075G>A in individuals affected with Autosomal Dominant Nonsyndromic Hearing Loss 70 and no experimental evidence demonstrating its impact on protein function have been reported. ClinVar contains an entry for this variant (Variation ID: 1897205). Based on the evidence outlined above, the variant was classified as uncertain significance.

Labcorp Genetics (formerly Invitae), Labcorp
Classification: Uncertain significance. Last evaluated: 2024-02-20. Review status: criteria provided, single submitter. Criteria: Invitae Variant Classification Sherloc (09022015). Collection method: clinical testing. Allele origin: germline.
Comment: This sequence change replaces glycine, which is neutral and non-polar, with serine, which is neutral and polar, at codon 359 of the MCM2 protein (p.Gly359Ser). This variant is present in population databases (rs201802595, gnomAD 0.02%). This variant has not been reported in the literature in individuals affected with MCM2-related conditions. ClinVar contains an entry for this variant (Variation ID: 1897205). Advanced modeling of protein sequence and biophysical properties (such as structural, functional, and spatial information, amino acid conservation, physicochemical variation, residue mobility, and thermodynamic stability) performed at Invitae indicates that this missense variant is not expected to disrupt MCM2 protein function with a negative predictive value of 80%. In summary, the available evidence is currently insufficient to determine the role of this variant in disease. Therefore, it has been classified as a Variant of Uncertain Significance.